The following is an entry in ClinVar:

ClinVar aggregate classification (germline): Uncertain significance (1 of 4 stars; one submission).

Conditions:
Neonatal-onset encephalopathy with rigidity and seizures. Also called: Lethal neonatal spasticity-epileptic encephalopathy syndrome. Identifiers: Orphanet 435845, MedGen C3281029, MONDO:0013784, OMIM 614498.

Allele frequency attached by ClinVar (database versions not stated): gnomAD exomes below 0.00001.
gnomAD v4.1: 7 of 1,612,758 alleles (0.00043%); highest among the groups gnomAD compares: Admixed American, 0.0033%; 1 homozygote.

Submission:

Labcorp Genetics (formerly Invitae), Labcorp
Classification: Uncertain significance for Neonatal-onset encephalopathy with rigidity and seizures. Last evaluated: 2022-09-01. Review status: criteria provided, single submitter. Criteria: Invitae Variant Classification Sherloc (09022015). Collection method: clinical testing. Allele origin: germline.
Comment: This sequence change replaces alanine, which is neutral and non-polar, with valine, which is neutral and non-polar, at codon 356 of the BRAT1 protein (p.Ala356Val). This variant is not present in population databases (gnomAD no frequency). This variant has not been reported in the literature in individuals affected with BRAT1-related conditions. ClinVar contains an entry for this variant (Variation ID: 540150). Algorithms developed to predict the effect of missense changes on protein structure and function (SIFT, PolyPhen-2, Align-GVGD) all suggest that this variant is likely to be tolerated. In summary, the available evidence is currently insufficient to determine the role of this variant in disease. Therefore, it has been classified as a Variant of Uncertain Significance.

NM_152743.4(BRAT1):c.1067C>T (p.Ala356Val)

Gene: BRAT1 (BRCA1 associated ATM activator 1; minus strand). Cytogenetic location: 7p22.3.
Variant type: single nucleotide variant.
Coding change: c.1067C>T on transcript NM_152743.4 (MANE Select); coding-DNA position 1067, C replaced by T.
Protein change: p.Ala356Val; replaces alanine 356 with valine.
Molecular consequence: missense variant. On other transcripts: non-coding transcript variant (1).
Genome position (GRCh38, 1-based): chr7:2,541,785, G>A on the plus strand (C>T on the coding strand, the complement: BRAT1 is on the minus strand). VCF-style: chr7-2541785-G-A. GRCh37 (hg19) VCF-style: chr7-2581419-G-A.
Other names: c.1067C>T, p.Ala356Val (NM_001350626.2); c.542C>T, p.Ala181Val (NM_001350627.2); short protein forms A356V, A181V.
Identifiers: ClinVar variation 540150 (VCV000540150.6), dbSNP rs912690370, ClinGen allele CA152667683.